The following is an entry in ClinVar:

NM_000535.7(PMS2):c.2247T>G (p.Asn749Lys)

Gene: PMS2 (PMS1 homolog 2, mismatch repair system component; minus strand). Cytogenetic location: 7p22.1.
Variant type: single nucleotide variant.
Coding change: c.2247T>G on transcript NM_000535.7 (MANE Select); coding-DNA position 2247, T replaced by G.
Protein change: p.Asn749Lys; replaces asparagine 749 with lysine.
Molecular consequence: missense variant. On other transcripts: non-coding transcript variant (1).
Genome position (GRCh38, 1-based): chr7:5,978,624, A>C on the plus strand (T>G on the coding strand, the complement: PMS2 is on the minus strand). VCF-style: chr7-5978624-A-C. GRCh37 (hg19) VCF-style: chr7-6018255-A-C.
Other names: c.1929T>G, p.Asn643Lys (NM_001406876.1, NM_001322007.2, NM_001322008.2 and 1 more transcripts); c.1938T>G, p.Asn646Lys (NM_001406880.1, NM_001406878.1, NM_001406879.1 and 5 more transcripts); c.1842T>G, p.Asn614Lys (NM_001018040.1, NM_001322003.2, NM_001322004.2 and 15 more transcripts); c.2091T>G, p.Asn697Lys (NM_001322006.2, NM_001406870.1); c.1686T>G, p.Asn562Lys (NM_001322010.2, NM_001406906.1, NM_001406907.1); c.1314T>G, p.Asn438Lys (NM_001322011.2, NM_001322012.2); c.1674T>G, p.Asn558Lys (NM_001322013.2, NM_001406908.1, NM_001406909.1); c.2247T>G, p.Asn749Lys (NM_001322014.2); and 14 more; short protein forms N492K, N558K, N562K, N643K, N757K, N811K, N348K, N683K.
Identifiers: ClinVar variation 1788364 (VCV001788364.3), dbSNP rs200824831, ClinGen allele CA366736579.

ClinVar aggregate classification (germline): Conflicting classifications of pathogenicity. Review status: criteria provided, conflicting classifications (1 of 4 stars). 2 submissions from 2 submitters: Likely pathogenic (1); Uncertain significance (1). Last evaluated 2023-09-22.

Conditions:
Lynch syndrome 4 (LYNCH4). Also called: Hereditary non-polyposis colorectal cancer, type 4; Colorectal cancer, hereditary nonpolyposis, type 4. Identifiers: Orphanet 144, MedGen C1838333, MONDO:0013699, OMIM 614337. Disease mechanism: loss of function.
Hereditary cancer-predisposing syndrome. Also called: Neoplastic Syndromes, Hereditary; Tumor predisposition; Hereditary Cancer Syndrome; Hereditary neoplastic syndrome. Identifiers: Orphanet 140162, MedGen C0027672, MeSH D009386, MONDO:0015356.

Submissions (2):

Myriad Genetics, Inc.
Classification: Likely pathogenic for Lynch syndrome 4. Last evaluated: 2023-09-22. Review status: criteria provided, single submitter. Criteria: Myriad Autosomal Dominant, Autosomal Recessive and X-Linked Classification Criteria (2023). Collection method: clinical testing. Allele origin: unknown.
Comment: This variant is considered likely pathogenic. Functional studies indicate this variant impacts protein function [PMID: 35451539]. This variant is expected to disrupt protein structure [Myriad internal data].

Ambry Genetics
Classification: Uncertain significance for Hereditary cancer-predisposing syndrome. Last evaluated: 2022-04-21. Review status: criteria provided, single submitter. Criteria: Ambry Variant Classification Scheme 2023. Collection method: clinical testing. Allele origin: germline.
Comment: The p.N749K variant (also known as c.2247T>G), located in coding exon 13 of the PMS2 gene, results from a T to G substitution at nucleotide position 2247. The asparagine at codon 749 is replaced by lysine, an amino acid with similar properties. This amino acid position is conserved. In addition, the in silico prediction for this alteration is inconclusive. Since supporting evidence is limited at this time, the clinical significance of this alteration remains unclear.

Literature cited by the submitters: PubMed 35451539 (cited by Myriad Genetics, Inc.).